The following is an entry in ClinVar:

NM_000019.4(ACAT1):c.72+6C>A

Gene: ACAT1 (acetyl-CoA acetyltransferase 1; plus strand). Cytogenetic location: 11q22.3.
Variant type: single nucleotide variant.
Coding change: c.72+6C>A on transcript NM_000019.4 (MANE Select); 6 bases into the intron after coding-DNA position 72, C replaced by A.
Molecular consequence: intron variant.
Genome position (GRCh38, 1-based): chr11:108,121,684, C>A. VCF-style: chr11-108121684-C-A. GRCh37 (hg19) VCF-style: chr11-107992411-C-A.
Other names: c.-416+4782C>A (NM_001386682.1); c.-199+4782C>A (NM_001386681.1); c.-293+6C>A (NM_001386685.1); c.-298+6C>A (NM_001386686.1); c.72+6C>A (NM_001386677.1, NM_001386678.1); c.-206+6C>A (NM_001386679.1).
Identifiers: ClinVar variation 2162824 (VCV002162824.3), dbSNP rs543929400, ClinGen allele CA228390272.

ClinVar aggregate classification (germline): Uncertain significance (1 of 4 stars; one submission).

Conditions:
Deficiency of acetyl-CoA acetyltransferase. Also called: MITOCHONDRIAL ACETOACETYL-CoA THIOLASE DEFICIENCY; 3-KETOTHIOLASE DEFICIENCY; 3-OXOTHIOLASE DEFICIENCY; Beta-ketothiolase deficiency. Identifiers: Orphanet 134, MedGen C1536500, MONDO:0008760, OMIM 203750. Disease mechanism: loss of function.

Allele frequency attached by ClinVar (database versions not stated): gnomAD 0.00002; TOPMed 0.00002; 1000 Genomes Project 0.00020; 1000 Genomes Project 30x 0.00031.
gnomAD v4.1: 5 of 1,547,640 alleles (0.00032%); highest among the groups gnomAD compares: Admixed American, 0.0098%; no homozygotes.

Submission:

Labcorp Genetics (formerly Invitae), Labcorp
Classification: Uncertain significance for Deficiency of acetyl-CoA acetyltransferase. Last evaluated: 2024-12-23. Review status: criteria provided, single submitter. Criteria: Invitae Variant Classification Sherloc (09022015). Collection method: clinical testing. Allele origin: germline.
Comment: This sequence change falls in intron 1 of the ACAT1 gene. It does not directly change the encoded amino acid sequence of the ACAT1 protein. It affects a nucleotide within the consensus splice site. This variant is not present in population databases (gnomAD no frequency). This variant has not been reported in the literature in individuals affected with ACAT1-related conditions. ClinVar contains an entry for this variant (Variation ID: 2162824). Variants that disrupt the consensus splice site are a relatively common cause of aberrant splicing (PMID: 17576681, 9536098). Algorithms developed to predict the effect of sequence changes on RNA splicing suggest that this variant is not likely to affect RNA splicing. In summary, the available evidence is currently insufficient to determine the role of this variant in disease. Therefore, it has been classified as a Variant of Uncertain Significance.

Literature cited by the submitters: PubMed 17576681; PubMed 9536098.